The following is an entry in ClinVar:

NM_000322.5(PRPH2):c.835A>G (p.Ile279Val)

Gene: PRPH2 (peripherin 2; minus strand). Cytogenetic location: 6p21.1.
Variant type: single nucleotide variant.
Coding change: c.835A>G on transcript NM_000322.5 (MANE Select); coding-DNA position 835, A replaced by G.
Protein change: p.Ile279Val; replaces isoleucine 279 with valine.
Molecular consequence: missense variant.
Genome position (GRCh38, 1-based): chr6:42,698,501, T>C on the plus strand (A>G on the coding strand, the complement: PRPH2 is on the minus strand). VCF-style: chr6-42698501-T-C. GRCh37 (hg19) VCF-style: chr6-42666239-T-C.
Other names: short protein forms I279V.
Identifiers: ClinVar variation 5001163 (VCV005001163.1).
Genomic context (GRCh38, chr6:42,698,501, plus strand): 5'-ATTCCTCGGGGTTGGACACACCATCCAGCGACGTCTGTAGGTAGCGCAGCCCAATTGTAA[T>C]GGTCACCTGGTGGTGGGAGAGGAGATTTAGAGGCAATCTGGGAGAATCGCTGGGAGCTGG-3'
Protein context (NP_000313.2, residues 269-289): TLLIWLFEVT[Ile279Val]TIGLRYLQTS

ClinVar aggregate classification (germline): Uncertain significance (1 of 4 stars; one submission).

Conditions:
PRPH2-related disorder. Also called: PRPH2-related disorders; PRPH2-related condition. Identifiers: MedGen CN239395.

gnomAD v4.1: 2 of 1,614,102 alleles (0.00012%); highest among the groups gnomAD compares: African/African-American, 0.0013%; no homozygotes.

Submission:

PreventionGenetics, part of Exact Sciences
Classification: Uncertain significance for PRPH2-related condition. Last evaluated: 2025-12-21. Review status: criteria provided, single submitter. Criteria: ACMG Guidelines, 2015. Collection method: clinical testing. Allele origin: germline.
Comment: The PRPH2 c.835A>G variant is predicted to result in the amino acid substitution p.Ile279Val. To our knowledge, this variant has not been reported in the literature. This variant is reported in 0.00088% of alleles in individuals of European (Non-Finnish) descent in gnomAD. At this time, the clinical significance of this variant is uncertain due to the absence of conclusive functional and genetic evidence.